The following is an entry in ClinVar:

NM_016180.5(SLC45A2):c.1405G>A (p.Val469Met)

Gene: SLC45A2 (solute carrier family 45 member 2; minus strand). Cytogenetic location: 5p13.2.
Variant type: single nucleotide variant.
Coding change: c.1405G>A on transcript NM_016180.5 (MANE Select); coding-DNA position 1405, G replaced by A.
Protein change: p.Val469Met; replaces valine 469 with methionine.
Molecular consequence: missense variant.
Genome position (GRCh38, 1-based): chr5:33,944,836, C>T on the plus strand (G>A on the coding strand, the complement: SLC45A2 is on the minus strand). VCF-style: chr5-33944836-C-T. GRCh37 (hg19) VCF-style: chr5-33944941-C-T.
Other names: short protein forms V469M.
Identifiers: ClinVar variation 1416564 (VCV001416564.7), dbSNP rs369776002, ClinGen allele CA3225459.
Genomic context (GRCh38, chr5:33,944,836, plus strand): 5'-GGATCTGAGCCAGCTGCACCATGCATGTGAGGGTGGCGCAGTCCATGCCCTTCCCTCTCA[C>T]GCTGTTGTCTGGGTCCCCTCCTGGGGCCTGCTGCCTCTGCAAAGGAAGCACAGAACCACC-3'
Protein context (NP_057264.4, residues 459-479): QAPGGDPDNS[Val469Met]RGKGMDCATL

ClinVar aggregate classification (germline): Uncertain significance (1 of 4 stars; one submission).

Allele frequency attached by ClinVar (database versions not stated): gnomAD 0.00002 and 0.00003; gnomAD exomes 0.00002; ESP Exome Variant Server 0.00008; TOPMed 0.00003; ExAC 0.00001.

Submission:

Labcorp Genetics (formerly Invitae), Labcorp
Classification: Uncertain significance. Last evaluated: 2024-10-16. Review status: criteria provided, single submitter. Criteria: Invitae Variant Classification Sherloc (09022015). Collection method: clinical testing. Allele origin: germline.
Comment: This sequence change replaces valine, which is neutral and non-polar, with methionine, which is neutral and non-polar, at codon 469 of the SLC45A2 protein (p.Val469Met). This variant is present in population databases (rs369776002, gnomAD 0.007%). This variant has not been reported in the literature in individuals affected with SLC45A2-related conditions. ClinVar contains an entry for this variant (Variation ID: 1416564). An algorithm developed to predict the effect of missense changes on protein structure and function (PolyPhen-2) suggests that this variant is likely to be disruptive. In summary, the available evidence is currently insufficient to determine the role of this variant in disease. Therefore, it has been classified as a Variant of Uncertain Significance.